The following is an entry in ClinVar:

NM_000387.6(SLC25A20):c.823C>T (p.Arg275Ter)

Gene: SLC25A20 (solute carrier family 25 member 20; minus strand). Cytogenetic location: 3p21.31.
Variant type: single nucleotide variant.
Coding change: c.823C>T on transcript NM_000387.6 (MANE Select); coding-DNA position 823, C replaced by T.
Protein change: p.Arg275Ter; replaces arginine 275 with a stop codon.
Molecular consequence: nonsense.
Genome position (GRCh38, 1-based): chr3:48,858,527, G>A on the plus strand (C>T on the coding strand, the complement: SLC25A20 is on the minus strand). VCF-style: chr3-48858527-G-A. GRCh37 (hg19) VCF-style: chr3-48895960-G-A.
Other names: short protein forms R275*.
Identifiers: ClinVar variation 1722350 (VCV001722350.5), dbSNP rs1330578621, ClinGen allele CA352625833.

ClinVar aggregate classification (germline): Pathogenic/Likely pathogenic. Review status: criteria provided, multiple submitters, no conflicts (2 of 4 stars). 2 submissions from 2 submitters: Pathogenic (1); Likely pathogenic (1). Last evaluated 2025-01-27.

Conditions:
Carnitine acylcarnitine translocase deficiency (CACTD). Identifiers: Orphanet 159, MedGen C0342791, MONDO:0008918, OMIM 212138.

Allele frequency attached by ClinVar (database versions not stated): gnomAD 0.00001; gnomAD exomes 0.00001; TOPMed 0.00002.
gnomAD v4.1: 10 of 1,614,046 alleles (0.00062%); highest among the groups gnomAD compares: Admixed American, 0.0017%; no homozygotes.

Submissions (2):

Labcorp Genetics (formerly Invitae), Labcorp
Classification: Pathogenic for Carnitine acylcarnitine translocase deficiency. Last evaluated: 2025-01-27. Review status: criteria provided, single submitter. Criteria: Invitae Variant Classification Sherloc (09022015). Collection method: clinical testing. Allele origin: germline.
Comment: This sequence change creates a premature translational stop signal (p.Arg275*) in the SLC25A20 gene. While this is not anticipated to result in nonsense mediated decay, it is expected to disrupt the last 27 amino acid(s) of the SLC25A20 protein. This variant is present in population databases (no rsID available, gnomAD 0.0009%). This premature translational stop signal has been observed in individual(s) with carnitine acylcarnitine translocase deficiency (PMID: 21605995). In at least one individual the data is consistent with being in trans (on the opposite chromosome) from a pathogenic variant. ClinVar contains an entry for this variant (Variation ID: 1722350). This variant disrupts a region of the SLC25A20 protein in which other variant(s) (p.Arg275Gln) have been determined to be pathogenic (PMID: 32337051). This suggests that this is a clinically significant region of the protein, and that variants that disrupt it are likely to be disease-causing. For these reasons, this variant has been classified as Pathogenic.

Women's Health and Genetics/Laboratory Corporation of America, LabCorp
Classification: Likely pathogenic for Carnitine acylcarnitine translocase deficiency. Last evaluated: 2022-09-06. Review status: criteria provided, single submitter. Criteria: LabCorp Variant Classification Summary - May 2015. Collection method: clinical testing. Allele origin: germline.
Comment: Variant summary: SLC25A20 c.823C>T (p.Arg275X) results in a premature termination codon, predicted to cause a truncation of the encoded protein or absence of the protein due to nonsense mediated decay, which are commonly known mechanisms for disease. Truncations downstream of this position have been classified as pathogenic by our laboratory. The variant allele was found at a frequency of 4e-06 in 251392 control chromosomes. c.823C>T has been reported in the literature in at-least one individual affected with Carnitine-Acylcarnitine Translocase Deficiency (example, Wang_2011 cited in Feng_2015). To our knowledge, no experimental evidence demonstrating an impact on protein function has been reported. No clinical diagnostic laboratories have submitted clinical-significance assessments for this variant to ClinVar after 2014. Based on the evidence outlined above, the variant was classified as likely pathogenic.

Literature cited by the submitters: PubMed 21605995 (cited by Labcorp Genetics (formerly Invitae), Labcorp and Women's Health and Genetics/Laboratory Corporation of America, LabCorp); PubMed 32337051 (cited by Labcorp Genetics (formerly Invitae), Labcorp); PubMed 25032985 (cited by Women's Health and Genetics/Laboratory Corporation of America, LabCorp).